The following is an entry in ClinVar:

NM_000368.5(TSC1):c.2143C>T (p.Arg715Trp)

Gene: TSC1 (TSC complex subunit 1; minus strand). Cytogenetic location: 9q34.13.
Variant type: single nucleotide variant.
Coding change: c.2143C>T on transcript NM_000368.5 (MANE Select); coding-DNA position 2143, C replaced by T.
Protein change: p.Arg715Trp; replaces arginine 715 with tryptophan.
Molecular consequence: missense variant.
Genome position (GRCh38, 1-based): chr9:132,903,716, G>A on the plus strand (C>T on the coding strand, the complement: TSC1 is on the minus strand). VCF-style: chr9-132903716-G-A. GRCh37 (hg19) VCF-style: chr9-135779103-G-A.
Other names: c.2140C>T, p.Arg714Trp (NM_001162426.2); c.1990C>T, p.Arg664Trp (NM_001162427.2); c.1780C>T, p.Arg594Trp (NM_001362177.2); short protein forms R715W, R714W, R664W, R594W.
Identifiers: ClinVar variation 569785 (VCV000569785.15), dbSNP rs1564478519, ClinGen allele CA375360903.

ClinVar aggregate classification (germline): Uncertain significance. Review status: criteria provided, multiple submitters, no conflicts (2 of 4 stars). 8 submissions from 8 submitters: Uncertain significance (6). 2 of the submissions do not count toward it. Last evaluated 2026-09-09.

Conditions:
Hereditary cancer-predisposing syndrome. Also called: Hereditary Cancer Syndrome; Tumor predisposition; Hereditary neoplastic syndrome; Neoplastic Syndromes, Hereditary. Identifiers: Orphanet 140162, MedGen C0027672, MeSH D009386, MONDO:0015356.
Tuberous sclerosis syndrome (TSC). Also called: Tuberous Sclerosis Complex; Tuberous sclerosis. Identifiers: Orphanet 805, MedGen C0041341, MONDO:0001734.
Isolated focal cortical dysplasia type II (FCORD2). Also called: Focal cortical dysplasia type II; CORTICAL DYSPLASIA OF TAYLOR. Identifiers: Orphanet 268994, MedGen C1846385, MONDO:0011818, OMIM 607341, HP:0032051.
Tuberous sclerosis 1 (TSC1). Identifiers: Orphanet 805, MedGen C1854465, MONDO:0008612, OMIM 191100.

gnomAD v4.1: 3 of 1,613,202 alleles (0.00019%); highest among the groups gnomAD compares: Non-Finnish European, 0.00025%; no homozygotes.

Submissions (8):

Ambry Genetics
Classification: Uncertain significance for Hereditary cancer-predisposing syndrome. Last evaluated: 2026-09-09. Review status: criteria provided, single submitter. Criteria: Ambry Variant Classification Scheme 2023. Collection method: clinical testing. Allele origin: germline.

Labcorp Genetics (formerly Invitae), Labcorp
Classification: Uncertain significance for Tuberous sclerosis 1. Last evaluated: 2025-08-11. Review status: criteria provided, single submitter. Criteria: Invitae Variant Classification Sherloc (09022015). Collection method: clinical testing. Allele origin: germline.
Comment: This sequence change replaces arginine, which is basic and polar, with tryptophan, which is neutral and slightly polar, at codon 715 of the TSC1 protein (p.Arg715Trp). This variant is not present in population databases (gnomAD no frequency). This missense change has been observed in individual(s) with conotruncal defect (PMID: 32368696). This variant is also known as p.Arg714Trp. ClinVar contains an entry for this variant (Variation ID: 569785). Invitae Evidence Modeling of protein sequence and biophysical properties (such as structural, functional, and spatial information, amino acid conservation, physicochemical variation, residue mobility, and thermodynamic stability) has been performed for this missense variant. However, the output from this modeling did not meet the statistical confidence thresholds required to predict the impact of this variant on TSC1 protein function. In summary, the available evidence is currently insufficient to determine the role of this variant in disease. Therefore, it has been classified as a Variant of Uncertain Significance.

GeneDx
Classification: Uncertain significance. Last evaluated: 2024-06-12. Review status: criteria provided, single submitter. Criteria: GeneDx Variant Classification Process June 2021. Collection method: clinical testing. Allele origin: germline. Affected: yes.
Comment: Not observed at significant frequency in large population cohorts (gnomAD); In silico analysis supports that this missense variant has a deleterious effect on protein structure/function; Observed as de novo in an individual with congenital heart disease (PMID: 28191890); This variant is associated with the following publications: (PMID: 32368696, 28191890, 37937776, 31941532, 35182466)

Baylor Genetics
Classification: Uncertain significance for Isolated focal cortical dysplasia type II. Last evaluated: 2024-02-05. Review status: criteria provided, single submitter. Criteria: ACMG Guidelines, 2015. Collection method: clinical testing. Allele origin: unknown.

Color Diagnostics, LLC DBA Color Health
Classification: Uncertain significance for Tuberous sclerosis syndrome. Last evaluated: 2024-01-18. Review status: criteria provided, single submitter. Criteria: ACMG Guidelines, 2015. Collection method: clinical testing. Allele origin: germline.
Comment: This missense variant replaces arginine with tryptophan at codon 715 of the TSC1 protein. Computational prediction suggests that this variant may have deleterious impact on protein structure and function (internally defined REVEL score threshold >= 0.7, PMID: 27666373). To our knowledge, functional studies have not been reported for this variant. This variant has not been reported in individuals affected with TSC1-related disorders in the literature. This variant has not been identified in the general population by the Genome Aggregation Database (gnomAD). The available evidence is insufficient to determine the role of this variant in disease conclusively. Therefore, this variant is classified as a Variant of Uncertain Significance.

All of Us Research Program, National Institutes of Health
Classification: Uncertain significance for Tuberous sclerosis syndrome. Last evaluated: 2023-11-10. Review status: criteria provided, single submitter. Criteria: ACMG Guidelines, 2015. Collection method: clinical testing. Allele origin: germline. Inheritance: Autosomal dominant inheritance. Observed: 2 variant alleles, 2 heterozygotes.
Comment: This missense variant replaces arginine with tryptophan at codon 715 of the TSC1 protein. Computational prediction suggests that this variant may have deleterious impact on protein structure and function (internally defined REVEL score threshold >= 0.7, PMID: 27666373). To our knowledge, functional studies have not been reported for this variant. This variant has not been reported in individuals affected with TSC1-related disorders in the literature. This variant has not been identified in the general population by the Genome Aggregation Database (gnomAD). The available evidence is insufficient to determine the role of this variant in disease conclusively. Therefore, this variant is classified as a Variant of Uncertain Significance.

This study involves interpretation of variants in research participants for the purpose of population health screening. Participant phenotype was not available at the time of variant classification. Additional details can be found in publication PMID: 35346344, PMCID: PMC8962531

Clinical Genetics DNA and cytogenetics Diagnostics Lab, Erasmus MC, Erasmus Medical Center
Classification: Uncertain significance. Review status: no assertion criteria provided. Collection method: clinical testing. Allele origin: germline. Affected: yes. Study: VKGL Data-share Consensus. Not counted in ClinVar's aggregate classification.

Joint Genome Diagnostic Labs from Nijmegen and Maastricht, Radboudumc and MUMC+
Classification: Uncertain significance. Review status: no assertion criteria provided. Collection method: clinical testing. Allele origin: germline. Affected: yes. Study: VKGL Data-share Consensus. Not counted in ClinVar's aggregate classification.

Literature cited by the submitters: PubMed 32368696 (cited by Labcorp Genetics (formerly Invitae), Labcorp).